The following is an entry in ClinVar:

ClinVar aggregate classification (germline): Uncertain significance (1 of 4 stars; one submission).

Submission:

Labcorp Genetics (formerly Invitae), Labcorp
Classification: Uncertain significance. Last evaluated: 2022-04-01. Review status: criteria provided, single submitter. Criteria: Invitae Variant Classification Sherloc (09022015). Collection method: clinical testing. Allele origin: germline.
Comment: In summary, the available evidence is currently insufficient to determine the role of this variant in disease. Therefore, it has been classified as a Variant of Uncertain Significance. Algorithms developed to predict the effect of missense changes on protein structure and function are either unavailable or do not agree on the potential impact of this missense change (SIFT: "Deleterious"; PolyPhen-2: "Possibly Damaging"; Align-GVGD: "Class C0"). This variant has not been reported in the literature in individuals affected with NUP205-related conditions. This variant is not present in population databases (gnomAD no frequency). This sequence change replaces aspartic acid, which is acidic and polar, with histidine, which is basic and polar, at codon 265 of the NUP205 protein (p.Asp265His).

NM_015135.3(NUP205):c.793G>C (p.Asp265His)

Gene: NUP205 (nucleoporin 205; plus strand). Cytogenetic location: 7q33.
Variant type: single nucleotide variant.
Coding change: c.793G>C on transcript NM_015135.3 (MANE Select); coding-DNA position 793, G replaced by C.
Protein change: p.Asp265His; replaces aspartic acid 265 with histidine.
Molecular consequence: missense variant. On other transcripts: 5 prime UTR variant (1).
Genome position (GRCh38, 1-based): chr7:135,577,940, G>C. VCF-style: chr7-135577940-G-C. GRCh37 (hg19) VCF-style: chr7-135262688-G-C.
Other names: c.-293G>C (NM_001329434.2); short protein forms D265H.
Identifiers: ClinVar variation 2120629 (VCV002120629.4), dbSNP rs2486105220, ClinGen allele CA369350287.
Genomic context (GRCh38, chr7:135,577,940, plus strand): 5'-GACACTCTCCTCCTCATTGGACATTTGGAAAGAGTGACAGTTGAGGCTAATGGCTCACTG[G>C]ATGCAGTGAATCTGGCTCTTCTTATGGCGCTTCTATACTGTTTTGATATCAGTTTTATAG-3'
Protein context (NP_055950.2, residues 255-275): RVTVEANGSL[Asp265His]AVNLALLMAL